The following is an entry in ClinVar:

NM_033118.4(MYLK2):c.473+11_473+12delinsAG

Gene: MYLK2 (myosin light chain kinase 2; plus strand). Cytogenetic location: 20q11.21.
Variant type: Indel.
Coding change: c.473+11_473+12delinsAG on transcript NM_033118.4 (MANE Select); bases 11 to 12 of the intron after coding-DNA position 473, CC replaced by AG.
Molecular consequence: intron variant.
Genome position (GRCh38, 1-based): chr20:31,820,557-31,820,558, CC replaced by AG. VCF-style: chr20-31820557-CC-AG. GRCh37 (hg19) VCF-style: chr20-30408360-CC-AG.
Identifiers: ClinVar variation 2157857 (VCV002157857.4), dbSNP rs2515451638, ClinGen allele CA2580098073.

ClinVar aggregate classification (germline): Uncertain significance (1 of 4 stars; one submission).

Conditions:
Hypertrophic cardiomyopathy 1 (CMH1). Also called: MYH7-Related Familial Hypertrophic Cardiomyopathy; Familial hypertrophic cardiomyopathy 1. Identifiers: MedGen C3495498, MONDO:0008647, OMIM 192600.

Submission:

Labcorp Genetics (formerly Invitae), Labcorp
Classification: Uncertain significance for Hypertrophic cardiomyopathy 1. Last evaluated: 2022-07-29. Review status: criteria provided, single submitter. Criteria: Invitae Variant Classification Sherloc (09022015). Collection method: clinical testing. Allele origin: germline.
Comment: In summary, the available evidence is currently insufficient to determine the role of this variant in disease. Therefore, it has been classified as a Variant of Uncertain Significance. Experimental studies and prediction algorithms are not available or were not evaluated, and the effect of this variant on mRNA splicing is currently unknown. This variant has not been reported in the literature in individuals affected with MYLK2-related conditions. Information on the frequency of this variant in the gnomAD database is not available, as this variant may be reported differently in the database. This sequence change falls in intron 3 of the MYLK2 gene. It does not directly change the encoded amino acid sequence of the MYLK2 protein.